The following is an entry in ClinVar:

NM_007194.4(CHEK2):c.79C>T (p.Gln27Ter)

Gene: CHEK2 (checkpoint kinase 2; minus strand). Cytogenetic location: 22q12.1.
Variant type: single nucleotide variant.
Coding change: c.79C>T on transcript NM_007194.4 (MANE Select); coding-DNA position 79, C replaced by T.
Protein change: p.Gln27Ter; replaces glutamine 27 with a stop codon.
Molecular consequence: nonsense.
Genome position (GRCh38, 1-based): chr22:28,734,643, G>A on the plus strand (C>T on the coding strand, the complement: CHEK2 is on the minus strand). VCF-style: chr22-28734643-G-A. GRCh37 (hg19) VCF-style: chr22-29130631-G-A.
Other names: c.79C>T, p.Gln27Ter (NM_001005735.3, NM_001349956.3, NM_145862.3); c.-699C>T (NM_001257387.3); short protein forms Q27*.
Identifiers: ClinVar variation 530172 (VCV000530172.20), dbSNP rs376736188, ClinGen allele CA411091646.

ClinVar aggregate classification (germline): Pathogenic. Review status: criteria provided, multiple submitters, no conflicts (2 of 4 stars). 5 submissions from 5 submitters: Pathogenic (4). 1 of the submissions does not count toward it. Last evaluated 2025-12-05.

Conditions:
Colorectal cancer. Also called: Colorectal cancer, somatic; Malignant Colorectal Neoplasm. Identifiers: MedGen C0346629, MONDO:0005575, OMIM 114500.
Familial cancer of breast. Also called: BREAST CANCER, FAMILIAL; Hereditary breast cancer; hereditary breast carcinoma. Identifiers: Orphanet 227535, MedGen C0346153, MONDO:0016419, OMIM 114480. Disease mechanism: loss of function.
Hereditary cancer-predisposing syndrome. Also called: Hereditary neoplastic syndrome; Neoplastic Syndromes, Hereditary; Hereditary Cancer Syndrome; Tumor predisposition. Identifiers: Orphanet 140162, MedGen C0027672, MeSH D009386, MONDO:0015356.

Submissions (5):

Labcorp Genetics (formerly Invitae), Labcorp
Classification: Pathogenic for Familial cancer of breast. Last evaluated: 2025-12-05. Review status: criteria provided, single submitter. Criteria: Invitae Variant Classification Sherloc (09022015). Collection method: clinical testing. Allele origin: germline.
Comment: This sequence change creates a premature translational stop signal (p.Gln27*) in the CHEK2 gene. It is expected to result in an absent or disrupted protein product. Loss-of-function variants in CHEK2 are known to be pathogenic (PMID: 21876083, 24713400). This variant is not present in population databases (gnomAD no frequency). This premature translational stop signal has been observed in individual(s) with colorectal cancer (PMID: 34549727). ClinVar contains an entry for this variant (Variation ID: 530172). For these reasons, this variant has been classified as Pathogenic.

Ambry Genetics
Classification: Pathogenic for Hereditary cancer-predisposing syndrome. Last evaluated: 2024-01-19. Review status: criteria provided, single submitter. Criteria: Ambry Variant Classification Scheme 2023. Collection method: clinical testing. Allele origin: germline.
Comment: The p.Q27* pathogenic mutation (also known as c.79C>T), located in coding exon 1 of the CHEK2 gene, results from a C to T substitution at nucleotide position 79. This changes the amino acid from a glutamine to a stop codon within coding exon 1. This alteration is expected to result in loss of function by premature protein truncation or nonsense-mediated mRNA decay. As such, this alteration is interpreted as a disease-causing mutation.

Baylor Genetics
Classification: Pathogenic for Familial cancer of breast. Last evaluated: 2023-11-08. Review status: criteria provided, single submitter. Criteria: ACMG Guidelines, 2015. Collection method: clinical testing. Allele origin: unknown.

Myriad Genetics, Inc.
Classification: Pathogenic for Familial cancer of breast. Last evaluated: 2023-06-22. Review status: criteria provided, single submitter. Criteria: Myriad Autosomal Dominant, Autosomal Recessive and X-Linked Classification Criteria (2023). Collection method: clinical testing. Allele origin: unknown.
Comment: This variant is considered pathogenic. This variant creates a termination codon and is predicted to result in premature protein truncation.

Division of Gastroenterology and Hepatology, Shanghai Institute of Digestive Disease, Shanghai Jiao Tong University School of Medicine.
Classification: Pathogenic for Colorectal cancer. Last evaluated: 2021-07-16. Review status: no assertion criteria provided. Collection method: research. Allele origin: germline. Inheritance: Autosomal dominant inheritance. Affected: yes. Observed: 1 variant allele, 1 heterozygote. Not counted in ClinVar's aggregate classification.
Comment: The Gln27* variant in CHEK2 has been reported in 1 Chinese family with autosomal dominant predisposition in familial colorectal cancer (CRC). Additionally, in vitro functional studies indicate that the CHEK2 knockout cells showed defective cell cycle arrest and apoptosis and reduced p53 phosphorylation upon DNA damage. A second variant in CHEK2 was found in 126 sporadic CRCs. In summary, the Gln27* variant in CHEK2 meets our criteria to be classified as likely pathogenic based upon segregation studies, absence from controls, and functional evidence.

Literature cited by the submitters: PubMed 21876083 (cited by Labcorp Genetics (formerly Invitae), Labcorp); PubMed 24713400 (cited by Labcorp Genetics (formerly Invitae), Labcorp); PubMed 34549727 (cited by Labcorp Genetics (formerly Invitae), Labcorp).